The following is an entry in ClinVar:

ClinVar aggregate classification (germline): Likely benign (0 of 4 stars; one submission).

Conditions:
SIM1-related disorder. Also called: SIM1-related disorders; SIM1-related condition.

Allele frequency attached by ClinVar (database versions not stated): TOPMed 0.00001; gnomAD 0.00002.
gnomAD v4.1: 9 of 1,614,050 alleles (0.00056%); highest among the groups gnomAD compares: Non-Finnish European, 0.00068%; no homozygotes.

Submission:

PreventionGenetics, part of Exact Sciences
Classification: Likely benign for SIM1-related condition. Last evaluated: 2022-12-01. Review status: no assertion criteria provided. Collection method: clinical testing. Allele origin: germline.
Comment: This variant is classified as likely benign based on ACMG/AMP sequence variant interpretation guidelines (Richards et al. 2015 PMID: 25741868, with internal and published modifications).

NM_005068.3(SIM1):c.1422A>T (p.Ala474=)

Genes: SIM1 (SIM bHLH transcription factor 1; minus strand), SIM1-AS1 (SIM1 antisense RNA 1; plus strand). Cytogenetic location: 6q16.3.
Variant type: single nucleotide variant.
Coding change: c.1422A>T on transcript NM_005068.3 (MANE Select); coding-DNA position 1422, A replaced by T.
Protein change: p.Ala474=; no amino-acid change (alanine 474 retained).
Molecular consequence: synonymous variant. On other transcripts: non-coding transcript variant (1).
Genome position (GRCh38, 1-based): chr6:100,393,635, T>A on the plus strand (A>T on the coding strand, the complement: SIM1 is on the minus strand). VCF-style: chr6-100393635-T-A. GRCh37 (hg19) VCF-style: chr6-100841511-T-A.
Other names: c.1422A>T, p.Ala474= (NM_001374769.1).
Identifiers: ClinVar variation 3058018 (VCV003058018.2), dbSNP rs1005908784, ClinGen allele CA144530499.